The following is an entry in ClinVar:

NM_012318.3(LETM1):c.1466C>G (p.Ser489Trp)

Gene: LETM1 (leucine zipper and EF-hand containing transmembrane protein 1; minus strand). Cytogenetic location: 4p16.3.
Variant type: single nucleotide variant.
Coding change: c.1466C>G on transcript NM_012318.3 (MANE Select); coding-DNA position 1466, C replaced by G.
Protein change: p.Ser489Trp; replaces serine 489 with tryptophan.
Molecular consequence: missense variant.
Genome position (GRCh38, 1-based): chr4:1,822,998, G>C on the plus strand (C>G on the coding strand, the complement: LETM1 is on the minus strand). VCF-style: chr4-1822998-G-C. GRCh37 (hg19) VCF-style: chr4-1824725-G-C.
Other names: short protein forms S489W.
Identifiers: ClinVar variation 1506938 (VCV001506938.5), dbSNP rs151087596, ClinGen allele CA91268370.

ClinVar aggregate classification (germline): Uncertain significance (1 of 4 stars; one submission).

gnomAD v4.1: 1 of 1,587,634 alleles (0.000063%); no homozygotes.

Submission:

Labcorp Genetics (formerly Invitae), Labcorp
Classification: Uncertain significance. Last evaluated: 2024-10-08. Review status: criteria provided, single submitter. Criteria: Invitae Variant Classification Sherloc (09022015). Collection method: clinical testing. Allele origin: germline.
Comment: This sequence change replaces serine, which is neutral and polar, with tryptophan, which is neutral and slightly polar, at codon 489 of the LETM1 protein (p.Ser489Trp). This variant is not present in population databases (gnomAD no frequency). This variant has not been reported in the literature in individuals affected with LETM1-related conditions. ClinVar contains an entry for this variant (Variation ID: 1506938). An algorithm developed to predict the effect of missense changes on protein structure and function (PolyPhen-2) suggests that this variant is likely to be disruptive. In summary, the available evidence is currently insufficient to determine the role of this variant in disease. Therefore, it has been classified as a Variant of Uncertain Significance.